The following is an entry in ClinVar:

NM_022437.3(ABCG8):c.520C>T (p.Arg174Trp)

Gene: ABCG8 (ATP binding cassette subfamily G member 8; plus strand). Cytogenetic location: 2p21.
Variant type: single nucleotide variant.
Coding change: c.520C>T on transcript NM_022437.3 (MANE Select); coding-DNA position 520, C replaced by T.
Protein change: p.Arg174Trp; replaces arginine 174 with tryptophan.
Molecular consequence: missense variant.
Genome position (GRCh38, 1-based): chr2:43,851,781, C>T. VCF-style: chr2-43851781-C-T. GRCh37 (hg19) VCF-style: chr2-44078920-C-T.
Other names: c.520C>T, p.Arg174Trp (NM_001357321.2); c.520C>T (NM_022437.2); short protein forms R174W.
Identifiers: ClinVar variation 3702965 (VCV003702965.3).

ClinVar aggregate classification (germline): Uncertain significance. Review status: criteria provided, multiple submitters, no conflicts (2 of 4 stars). 3 submissions from 3 submitters: Uncertain significance (3). Last evaluated 2025-07-29.

Conditions:
Cardiovascular phenotype. Identifiers: MedGen CN230736.

Submissions (3):

Ambry Genetics
Classification: Uncertain significance for Cardiovascular phenotype. Last evaluated: 2025-07-29. Review status: criteria provided, single submitter. Criteria: Ambry Variant Classification Scheme 2023. Collection method: clinical testing. Allele origin: germline.
Comment: The p.R174W variant (also known as c.520C>T), located in coding exon 4 of the ABCG8 gene, results from a C to T substitution at nucleotide position 520. The arginine at codon 174 is replaced by tryptophan, an amino acid with dissimilar properties. This amino acid position is conserved. In addition, the in silico prediction for this alteration is inconclusive. Based on the available evidence, the clinical significance of this variant remains unclear.

Labcorp Genetics (formerly Invitae), Labcorp
Classification: Uncertain significance. Last evaluated: 2024-07-20. Review status: criteria provided, single submitter. Criteria: Invitae Variant Classification Sherloc (09022015). Collection method: clinical testing. Allele origin: germline.
Comment: This sequence change replaces arginine, which is basic and polar, with tryptophan, which is neutral and slightly polar, at codon 174 of the ABCG8 protein (p.Arg174Trp). This variant is present in population databases (rs777210794, gnomAD 0.005%). This variant has not been reported in the literature in individuals affected with ABCG8-related conditions. Advanced modeling of protein sequence and biophysical properties (such as structural, functional, and spatial information, amino acid conservation, physicochemical variation, residue mobility, and thermodynamic stability) performed at Invitae indicates that this missense variant is expected to disrupt ABCG8 protein function with a positive predictive value of 80%. In summary, the available evidence is currently insufficient to determine the role of this variant in disease. Therefore, it has been classified as a Variant of Uncertain Significance.

Blueprint Genetics
Classification: Uncertain significance. Last evaluated: 2023-01-13. Review status: criteria provided, single submitter. Criteria: ACMG Guidelines, 2015. Collection method: clinical testing. Allele origin: germline.